The following is an entry in ClinVar:

NM_000701.8(ATP1A1):c.998C>G (p.Pro333Arg)

Gene: ATP1A1 (ATPase Na+/K+ transporting subunit alpha 1; plus strand). Cytogenetic location: 1p13.1.
Variant type: single nucleotide variant.
Coding change: c.998C>G on transcript NM_000701.8 (MANE Select); coding-DNA position 998, C replaced by G.
Protein change: p.Pro333Arg; replaces proline 333 with arginine.
Molecular consequence: missense variant.
Genome position (GRCh38, 1-based): chr1:116,389,682, C>G. VCF-style: chr1-116389682-C-G. GRCh37 (hg19) VCF-style: chr1-116932304-C-G.
Other names: c.998C>G, p.Pro333Arg (NM_001160233.2); c.905C>G, p.Pro302Arg (NM_001160234.2); short protein forms P302R, P333R.
Identifiers: ClinVar variation 689711 (VCV000689711.3), dbSNP rs1401759980, ClinGen allele CA341844195.

ClinVar aggregate classification (germline): Conflicting classifications of pathogenicity. Review status: criteria provided, conflicting classifications (1 of 4 stars). 3 submissions from 3 submitters: Likely pathogenic (2); Uncertain significance (1). Last evaluated 2026-07-16.

Conditions:
Marfanoid habitus and intellectual disability. Identifiers: MedGen CN263130.
ATP1A1-related disorder. Also called: ATP1A1-related condition.
Hypomagnesemia, seizures, and impaired intellectual development 2. Also called: Hypomagnesemia, seizures, and intellectual disability 2. Identifiers: MedGen C5193023, MONDO:0020788, OMIM 618314.

Submissions (3):

Institute of Medical Genetics and Applied Genomics, University Hospital Tübingen
Classification: Uncertain significance for Hypomagnesemia, seizures, and impaired intellectual development 2. Last evaluated: 2026-07-16. Review status: criteria provided, single submitter. Criteria: ACMG Guidelines, 2015. Collection method: clinical testing. Allele origin: de novo. Inheritance: Autosomal dominant inheritance. Affected: yes.

PreventionGenetics, part of Exact Sciences
Classification: Likely pathogenic for ATP1A1-related condition. Last evaluated: 2026-05-16. Review status: criteria provided, single submitter. Criteria: ACMG Guidelines, 2015. Collection method: clinical testing. Allele origin: germline.
Comment: The ATP1A1 c.998C>G variant is predicted to result in the amino acid substitution p.Pro333Arg. This variant was reported de novo in an individual with renal hypomagnesemia, refractory seizures, and intellectual disability (Table 1, Chevarin et al. 2020. PubMed ID: 32277047). This variant has not been reported in a large population database (gnomAD), indicating this variant is rare. This variant is interpreted as likely pathogenic.

Equipe Genetique des Anomalies du Developpement, Université de Bourgogne
Classification: Likely pathogenic for Marfanoid habitus and intellectual disability. Review status: criteria provided, single submitter. Criteria: ACMG Guidelines, 2015. Collection method: research. Allele origin: de novo. Affected: yes.